The following is an entry in ClinVar:

ClinVar aggregate classification (germline): Uncertain significance (1 of 4 stars; one submission).

gnomAD v4.1: 1 of 1,614,078 alleles (0.000062%); highest among the groups gnomAD compares: Non-Finnish European, 0.000085%; no homozygotes.

Submission:

GeneDx
Classification: Uncertain significance. Last evaluated: 2023-11-27. Review status: criteria provided, single submitter. Criteria: GeneDx Variant Classification Process June 2021. Collection method: clinical testing. Allele origin: germline. Affected: yes.
Comment: Not observed at significant frequency in large population cohorts (gnomAD); Nonsense variant predicted to result in protein truncation or nonsense mediated decay in a gene or region of a gene for which loss of function is not a well-established mechanism of disease; Has not been previously published as pathogenic or benign to our knowledge

NM_017852.5(NLRP2):c.1045G>T (p.Glu349Ter)

Gene: NLRP2 (NLR family pyrin domain containing 2; plus strand). Cytogenetic location: 19q13.42.
Variant type: single nucleotide variant.
Coding change: c.1045G>T on transcript NM_017852.5 (MANE Select); coding-DNA position 1045, G replaced by T.
Protein change: p.Glu349Ter; replaces glutamic acid 349 with a stop codon.
Molecular consequence: nonsense. On other transcripts: non-coding transcript variant (1).
Genome position (GRCh38, 1-based): chr19:54,982,743, G>T. VCF-style: chr19-54982743-G-T. GRCh37 (hg19) VCF-style: chr19-55494111-G-T.
Other names: c.1045G>T, p.Glu349Ter (NM_001174081.3); c.979G>T, p.Glu327Ter (NM_001174082.3); c.976G>T, p.Glu326Ter (NM_001174083.2); c.1036G>T, p.Glu346Ter (NM_001348003.2); short protein forms E326*, E327*, E346*, E349*.
Identifiers: ClinVar variation 3252893 (VCV003252893.1), dbSNP rs148817929.